The following is an entry in ClinVar:

ClinVar aggregate classification (germline): Uncertain significance. Review status: criteria provided, multiple submitters, no conflicts (2 of 4 stars). 3 submissions from 3 submitters: Uncertain significance (3). Last evaluated 2022-10-14.

Conditions:
Hereditary cancer-predisposing syndrome. Also called: Hereditary neoplastic syndrome; Tumor predisposition; Neoplastic Syndromes, Hereditary; Hereditary Cancer Syndrome. Identifiers: Orphanet 140162, MedGen C0027672, MeSH D009386, MONDO:0015356.
Hereditary breast ovarian cancer syndrome. Also called: Hereditary breast and ovarian cancer; Hereditary breast and/or ovarian cancer syndrome; Hereditary breast and ovarian cancer syndrome; Hereditary breast and ovarian cancer syndrome (HBOC); Breast and ovarian cancer; BRCA1- and BRCA2-Associated Hereditary Breast and Ovarian Cancer. Identifiers: Orphanet 145, MedGen C0677776, MeSH D061325, MONDO:0003582. Disease mechanism: loss of function.

Submissions (3):

Ambry Genetics
Classification: Uncertain significance for Hereditary cancer-predisposing syndrome. Last evaluated: 2022-10-14. Review status: criteria provided, single submitter. Criteria: Ambry Variant Classification Scheme 2023. Collection method: clinical testing. Allele origin: germline.
Comment: The c.9110_9112delAAC variant (also known as p.Q3037del) is located in coding exon 22 of the BRCA2 gene. This variant results from an in-frame AAC deletion at nucleotide positions 9110 to 9112. This results in the in-frame deletion of a glutamine at codon 3037. This amino acid position is not well conserved in available vertebrate species. Since supporting evidence is limited at this time, the clinical significance of this alteration remains unclear.

Labcorp Genetics (formerly Invitae), Labcorp
Classification: Uncertain significance for Hereditary breast ovarian cancer syndrome. Last evaluated: 2022-08-23. Review status: criteria provided, single submitter. Criteria: Invitae Variant Classification Sherloc (09022015). Collection method: clinical testing. Allele origin: germline.
Comment: In summary, the available evidence is currently insufficient to determine the role of this variant in disease. Therefore, it has been classified as a Variant of Uncertain Significance. Algorithms developed to predict the effect of sequence changes on RNA splicing suggest that this variant may disrupt the consensus splice site. Experimental studies and prediction algorithms are not available or were not evaluated, and the functional significance of this variant is currently unknown. ClinVar contains an entry for this variant (Variation ID: 420223). This variant has not been reported in the literature in individuals affected with BRCA2-related conditions. This variant is not present in population databases (gnomAD no frequency). This variant, c.9110_9112del, results in the deletion of 1 amino acid(s) of the BRCA2 protein (p.Gln3037del), but otherwise preserves the integrity of the reading frame.

GeneDx
Classification: Uncertain significance. Last evaluated: 2015-12-01. Review status: criteria provided, single submitter. Criteria: GeneDx Variant Classification (06012015). Collection method: clinical testing. Allele origin: germline. Affected: yes.
Comment: This in-frame deletion of 3 nucleotides in BRCA2 is denoted c.9110_9112delAAC at the cDNA level and p.Gln3037del (Q3037del) at the protein level. The normal sequence, with the bases that are deleted in braces, is CAAC[AAC]TACC. This deletion of a single Glutamine residue in exon 23 occurs at a position that is not conserved across species and is located within the DNA binding domain (Borg 2010). This variant has not, to our knowledge, been published in the literature as pathogenic or benign. Since in-frame deletions may or may not inhibit proper protein functioning, the clinical significance of this finding remains unclear at this time and we consider BRCA2 Gln3037del to be a variant of uncertain significance.

NM_000059.4(BRCA2):c.9107AAC[1] (p.Gln3037del)

Gene: BRCA2 (BRCA2 DNA repair associated; plus strand). Cytogenetic location: 13q13.1.
Variant type: Microsatellite.
Coding change: c.9107AAC[1] on transcript NM_000059.4 (MANE Select); one copy of the 3-base unit AAC starting at c.9107; the reference has two copies in a row; one copy, 3 bases deleted.
Protein change: p.Gln3037del; deletes glutamine 3037.
Molecular consequence: inframe deletion.
Genome position (GRCh38, 1-based): chr13:32,379,906-32,379,908, AAC deleted; deleting any 3 consecutive bases within chr13:32,379,902-32,379,908 gives the same sequence; the position shown is the placement nearest the transcript's 3' end. VCF-style (leftmost placement, unchanged base first): chr13-32379901-TCAA-T. GRCh37 (hg19) VCF-style: chr13-32954038-TCAA-T.
Other names: c.9110_9112delAAC (NM_000059.3); short protein forms Q3037del.
Identifiers: ClinVar variation 420223 (VCV000420223.14), dbSNP rs1064794358, ClinGen allele CA16619787.